The following is an entry in ClinVar:

NM_001256071.3(RNF213):c.13808A>G (p.Asn4603Ser)

Genes: RNF213 (ring finger protein 213; plus strand), RNF213-AS1 (RNF213 antisense RNA 1; minus strand). Cytogenetic location: 17q25.3.
Variant type: single nucleotide variant.
Coding change: c.13808A>G on transcript NM_001256071.3 (MANE Select); coding-DNA position 13808, A replaced by G.
Protein change: p.Asn4603Ser; replaces asparagine 4603 with serine.
Molecular consequence: missense variant.
Genome position (GRCh38, 1-based): chr17:80,381,557, A>G. VCF-style: chr17-80381557-A-G. GRCh37 (hg19) VCF-style: chr17-78355357-A-G.
Other names: p.Asn4603Ser; c.13955A>G, p.Asn4652Ser (NM_001410195.1, NM_020914.5); short protein forms N4603S, N4652S.
Identifiers: ClinVar variation 3380533 (VCV003380533.2).
Genomic context (GRCh38, chr17:80,381,557, plus strand): 5'-TCTCTACAAACCAGATCCCCGCTGAACACTCTGTTCCGTTGCCCCCACAGGCTCTGATAA[A>G]CATCATTAAGCCTCCAGTGAGGGATCCAAAAGGCTTTCTGCAGCAGCACATCCTGAAGGA-3'
Protein context (NP_001243000.2, residues 4593-4613): GASQSSQALI[Asn4603Ser]IIKPPVRDPK

ClinVar aggregate classification (germline): Uncertain significance (1 of 4 stars; one submission).

gnomAD v4.1: 21 of 1,614,042 alleles (0.0013%); highest among the groups gnomAD compares: Admixed American, 0.0017%; no homozygotes.

Submission:

Mayo Clinic Laboratories, Mayo Clinic
Classification: Uncertain significance. Last evaluated: 2024-12-17. Review status: criteria provided, single submitter. Criteria: ACMG Guidelines, 2015. Collection method: clinical testing. Allele origin: germline. Observed: 2 variant alleles.
Comment: BP4_moderate, PM2_supporting